The following is an entry in ClinVar:

ClinVar aggregate classification (germline): Conflicting classifications of pathogenicity. Review status: criteria provided, conflicting classifications (1 of 4 stars). 3 submissions from 3 submitters: Uncertain significance (2); Likely benign (1). Last evaluated 2024-06-25.

Conditions:
Chédiak-Higashi syndrome (CHS). Also called: Chediak-Higashi Syndrome. Identifiers: Orphanet 167, MedGen C0007965, MONDO:0008963, OMIM 214500.

Allele frequency attached by ClinVar (database versions not stated): TOPMed 0.00002; gnomAD 0.00005; gnomAD exomes 0.00005; ExAC 0.00014; 1000 Genomes Project 30x 0.00047; 1000 Genomes Project 0.00060.
gnomAD v4.1: 75 of 1,607,544 alleles (0.0047%); highest among the groups gnomAD compares: South Asian, 0.079%; 1 homozygote.

Submissions (3):

Blueprint Genetics
Classification: Likely benign. Last evaluated: 2024-06-25. Review status: criteria provided, single submitter. Criteria: ACMG Guidelines, 2015. Collection method: clinical testing. Allele origin: germline.

Labcorp Genetics (formerly Invitae), Labcorp
Classification: Uncertain significance for Chédiak-Higashi syndrome. Last evaluated: 2022-04-12. Review status: criteria provided, single submitter. Criteria: Invitae Variant Classification Sherloc (09022015). Collection method: clinical testing. Allele origin: germline.
Comment: This sequence change replaces phenylalanine, which is neutral and non-polar, with leucine, which is neutral and non-polar, at codon 1140 of the LYST protein (p.Phe1140Leu). This variant is present in population databases (rs552469117, gnomAD 0.08%). This variant has not been reported in the literature in individuals affected with LYST-related conditions. ClinVar contains an entry for this variant (Variation ID: 875866). Algorithms developed to predict the effect of missense changes on protein structure and function output the following: SIFT: "Tolerated"; PolyPhen-2: "Benign"; Align-GVGD: "Class C0". The leucine amino acid residue is found in multiple mammalian species, which suggests that this missense change does not adversely affect protein function. In summary, the available evidence is currently insufficient to determine the role of this variant in disease. Therefore, it has been classified as a Variant of Uncertain Significance.

Illumina Laboratory Services, Illumina
Classification: Uncertain significance for Chédiak-Higashi syndrome. Last evaluated: 2018-01-12. Review status: criteria provided, single submitter. Criteria: ICSL Variant Classification Criteria 13 December 2019. Collection method: clinical testing. Allele origin: germline.

NM_000081.4(LYST):c.3418T>C (p.Phe1140Leu)

Gene: LYST (lysosomal trafficking regulator; minus strand). Cytogenetic location: 1q42.3.
Variant type: single nucleotide variant.
Coding change: c.3418T>C on transcript NM_000081.4 (MANE Select); coding-DNA position 3418, T replaced by C.
Protein change: p.Phe1140Leu; replaces phenylalanine 1140 with leucine.
Molecular consequence: missense variant.
Genome position (GRCh38, 1-based): chr1:235,804,641, A>G on the plus strand (T>C on the coding strand, the complement: LYST is on the minus strand). VCF-style: chr1-235804641-A-G. GRCh37 (hg19) VCF-style: chr1-235967941-A-G.
Other names: c.3418T>C, p.Phe1140Leu (NM_001301365.1); short protein forms F1140L.
Identifiers: ClinVar variation 875866 (VCV000875866.10), dbSNP rs552469117, ClinGen allele CA1467074.